The following is an entry in ClinVar:

ClinVar aggregate classification (germline): Likely pathogenic (1 of 4 stars; one submission).

Conditions:
Vici syndrome (VICIS). Identifiers: Orphanet 1493, MedGen C1855772, MONDO:0009452, OMIM 242840.

Allele frequency attached by ClinVar (database versions not stated): ExAC 0.00001.
gnomAD v4.1: 2 of 1,516,644 alleles (0.00013%); highest among the groups gnomAD compares: East Asian, 0.0026%; no homozygotes.

Submission:

Labcorp Genetics (formerly Invitae), Labcorp
Classification: Likely pathogenic for Vici syndrome. Last evaluated: 2023-01-16. Review status: criteria provided, single submitter. Criteria: Invitae Variant Classification Sherloc (09022015). Collection method: clinical testing. Allele origin: germline.
Comment: In summary, the currently available evidence indicates that the variant is pathogenic, but additional data are needed to prove that conclusively. Therefore, this variant has been classified as Likely Pathogenic. Algorithms developed to predict the effect of sequence changes on RNA splicing suggest that this variant may disrupt the consensus splice site. This variant has not been reported in the literature in individuals affected with EPG5-related conditions. This variant is present in population databases (rs756378362, gnomAD 0.01%). This sequence change affects an acceptor splice site in intron 29 of the EPG5 gene. It is expected to disrupt RNA splicing. Variants that disrupt the donor or acceptor splice site typically lead to a loss of protein function (PMID: 16199547), and loss-of-function variants in EPG5 are known to be pathogenic (PMID: 23222957, 23674064).

Literature cited by the submitters: PubMed 16199547; PubMed 23222957; PubMed 23674064.

NM_020964.3(EPG5):c.5110-2A>G

Gene: EPG5 (ectopic P-granules 5 autophagy tethering factor; minus strand). Cytogenetic location: 18q12.3.
Variant type: single nucleotide variant.
Coding change: c.5110-2A>G on transcript NM_020964.3 (MANE Select); the canonical splice acceptor site of the intron before coding-DNA position 5110, A replaced by G.
Molecular consequence: splice acceptor variant.
Genome position (GRCh38, 1-based): chr18:45,884,813, T>C on the plus strand (A>G on the coding strand, the complement: EPG5 is on the minus strand). VCF-style: chr18-45884813-T-C. GRCh37 (hg19) VCF-style: chr18-43464778-T-C.
Other names: c.5110-2A>G (NM_001410858.1, NM_001410859.1).
Identifiers: ClinVar variation 2829079 (VCV002829079.3), dbSNP rs756378362, ClinGen allele CA8948659.